The following is an entry in ClinVar:

ClinVar aggregate classification (germline): Likely benign (1 of 4 stars; one submission).

Conditions:
PPARG-related disorder. Also called: PPARG-related condition; PPARG-related disorders.

gnomAD v4.1: 12 of 1,614,160 alleles (0.00074%); highest among the groups gnomAD compares: Non-Finnish European, 0.00093%; no homozygotes.

Submission:

PreventionGenetics, part of Exact Sciences
Classification: Likely benign for PPARG-related condition. Last evaluated: 2026-02-10. Review status: criteria provided, single submitter. Criteria: ACMG Guidelines, 2015. Collection method: clinical testing. Allele origin: germline.
Comment: This variant is classified as likely benign based on ACMG/AMP sequence variant interpretation guidelines (Richards et al. 2015 PMID: 25741868, with internal and published modifications).

NM_138711.6(PPARG):c.603G>A (p.Gln201=)

Genes: PPARG (peroxisome proliferator activated receptor gamma; plus strand), LOC114803475 (PPARG eExon liver enhancer; plus strand). Cytogenetic location: 3p25.2.
Variant type: single nucleotide variant.
Coding change: c.603G>A on transcript NM_138711.6 (MANE Select); coding-DNA position 603, G replaced by A.
Protein change: p.Gln201=; no amino-acid change (glutamine 201 retained).
Molecular consequence: synonymous variant. On other transcripts: intron variant (1).
Genome position (GRCh38, 1-based): chr3:12,405,955, G>A. VCF-style: chr3-12405955-G-A. GRCh37 (hg19) VCF-style: chr3-12447454-G-A.
Other names: c.603G>A, p.Gln201= (NM_001330615.4, NM_001354666.3, NM_001354667.3 and 6 more transcripts); c.693G>A, p.Gln231= (NM_001354668.2, NM_001374265.1, NM_015869.5); c.609G>A, p.Gln203= (NM_001354670.2, NM_001374266.1); c.103-10749G>A (NM_001354669.2).
Identifiers: ClinVar variation 4981837 (VCV004981837.1).